The following is an entry in ClinVar:

ClinVar aggregate classification (germline): Benign/Likely benign. Review status: criteria provided, multiple submitters, no conflicts (2 of 4 stars). 13 submissions from 13 submitters: Benign (5); Likely benign (6). 2 of the submissions do not count toward it. Last evaluated 2026-07-01.

Conditions:
ANK2-related disorder. Also called: ANK2-related condition.
Cardiovascular phenotype. Identifiers: MedGen CN230736.
Long QT syndrome (LQTS). Identifiers: MedGen C0023976, MeSH D008133, MONDO:0002442. Disease mechanism: loss of function. Inheritance: Various modes of inheritance.
Cardiac arrhythmia, ankyrin-B-related. Also called: ANKYRIN-B SYNDROME. Identifiers: Orphanet 101016, Orphanet 768, MedGen C1970119, MONDO:0010958, OMIM 600919.

Allele frequency attached by ClinVar (database versions not stated): TOPMed 0.00199; 1000 Genomes Project 0.00200; gnomAD 0.00203 and 0.00204; gnomAD exomes 0.00207 and 0.00250; 1000 Genomes Project 30x 0.00219; ESP Exome Variant Server 0.00239; ExAC 0.00286.
gnomAD v4.1: 3,404 of 1,614,034 alleles (0.21%); highest among the groups gnomAD compares: Middle Eastern, 2.3%; 22 homozygotes.

Submissions (13):

CeGaT Center for Human Genetics Tuebingen
Classification: Likely benign. Last evaluated: 2026-07-01. Review status: criteria provided, single submitter. Criteria: CeGaT Center For Human Genetics Tuebingen Variant Classification Criteria Version 2. Collection method: clinical testing. Allele origin: germline. Affected: yes. Observed: 26 variant alleles.
Comment: ANK2: BP4, BP7

Labcorp Genetics (formerly Invitae), Labcorp
Classification: Benign for Long QT syndrome. Last evaluated: 2026-02-04. Review status: criteria provided, single submitter. Criteria: Invitae Variant Classification Sherloc (09022015). Collection method: clinical testing. Allele origin: germline.

Molecular Diagnostic Laboratory for Inherited Cardiovascular Disease, Montreal Heart Institute
Classification: Benign. Last evaluated: 2025-04-09. Review status: criteria provided, single submitter. Criteria: ACMG Guidelines, 2015. Collection method: clinical testing. Allele origin: germline. Affected: no.
Comment: BS1;BP6;BP7

Blueprint Genetics
Classification: Likely benign. Last evaluated: 2024-11-26. Review status: criteria provided, single submitter. Criteria: ACMG Guidelines, 2015. Collection method: clinical testing. Allele origin: germline.

Genome-Nilou Lab
Classification: Benign for Cardiac arrhythmia, ankyrin-B-related. Last evaluated: 2021-12-05. Review status: criteria provided, single submitter. Criteria: ACMG Guidelines, 2015. Collection method: clinical testing. Allele origin: germline. Affected: no.

Illumina Laboratory Services, Illumina
Classification: Likely benign for Cardiac arrhythmia, ankyrin-B-related. Last evaluated: 2018-01-12. Review status: criteria provided, single submitter. Criteria: ICSL Variant Classification Criteria 13 December 2019. Collection method: clinical testing. Allele origin: germline.
Comment: This variant was observed in the ICSL laboratory as part of a predisposition screen in an ostensibly healthy population. It had not been previously curated by ICSL or reported in the Human Gene Mutation Database (HGMD: prior to June 1st, 2018), and was therefore a candidate for classification through an automated scoring system. Utilizing variant allele frequency, disease prevalence and penetrance estimates, and inheritance mode, an automated score was calculated to assess if this variant is too frequent to cause the disease. Based on the score and internal cut-off values, a variant classified as likely benign is not then subjected to further curation. The score for this variant resulted in a classification of likely benign for this disease.

Clinical Genetics DNA and cytogenetics Diagnostics Lab, Erasmus MC, Erasmus Medical Center
Classification: Likely benign for Cardiac arrhythmia, ankyrin-B-related. Last evaluated: 2017-06-28. Review status: criteria provided, single submitter. Criteria: ACGS Guidelines, 2013. Collection method: clinical testing. Allele origin: germline. Affected: yes. Study: VKGL Data-share Consensus.

Genome Diagnostics Laboratory, University Medical Center Utrecht
Classification: Benign for Cardiac arrhythmia, ankyrin-B-related. Last evaluated: 2017-04-04. Review status: criteria provided, single submitter. Criteria: ACGS Guidelines, 2013. Collection method: clinical testing. Allele origin: germline. Affected: yes. Study: VKGL Data-share Consensus.

GeneDx
Classification: Benign. Last evaluated: 2016-10-17. Review status: criteria provided, single submitter. Criteria: GeneDx Variant Classification (06012015). Collection method: clinical testing. Allele origin: germline. Affected: yes.
Comment: This variant is considered likely benign or benign based on one or more of the following criteria: it is a conservative change, it occurs at a poorly conserved position in the protein, it is predicted to be benign by multiple in silico algorithms, and/or has population frequency not consistent with disease.

Ambry Genetics
Classification: Likely benign for Cardiovascular phenotype. Last evaluated: 2015-07-21. Review status: criteria provided, single submitter. Criteria: Ambry Variant Classification Scheme 2023. Collection method: clinical testing. Allele origin: germline.

Breakthrough Genomics
Classification: Likely benign. Review status: criteria provided, single submitter. Criteria: ACMG Guidelines, 2015. Collection method: not provided. Allele origin: germline. Inheritance: Autosomal dominant inheritance. Affected: yes.

PreventionGenetics, part of Exact Sciences
Classification: Benign for ANK2-related condition. Last evaluated: 2019-05-30. Review status: no assertion criteria provided. Collection method: clinical testing. Allele origin: germline. Not counted in ClinVar's aggregate classification.
Comment: This variant is classified as benign based on ACMG/AMP sequence variant interpretation guidelines (Richards et al. 2015 PMID: 25741868, with internal and published modifications).

Clinical Genetics, Academic Medical Center
Classification: Benign. Review status: no assertion criteria provided. Collection method: clinical testing. Allele origin: germline. Affected: yes. Study: VKGL Data-share Consensus. Not counted in ClinVar's aggregate classification.

NM_001148.6(ANK2):c.10371G>A (p.Thr3457=)

Gene: ANK2 (ankyrin 2; plus strand). Cytogenetic location: 4q26.
Variant type: single nucleotide variant.
Coding change: c.10371G>A on transcript NM_001148.6 (MANE Select); coding-DNA position 10371, G replaced by A.
Protein change: p.Thr3457=; no amino-acid change (threonine 3457 retained).
Molecular consequence: synonymous variant. On other transcripts: intron variant (68).
Genome position (GRCh38, 1-based): chr4:113,358,989, G>A. VCF-style: chr4-113358989-G-A. GRCh37 (hg19) VCF-style: chr4-114280145-G-A.
Other names: c.10371G>A (NM_001148.5); c.10137G>A, p.Thr3379= (NM_001386142.1); c.6771G>A, p.Thr2257= (NM_001386166.1); c.10512G>A, p.Thr3504= (NM_001386174.1); c.10488G>A, p.Thr3496= (NM_001386175.1); c.4412-1834G>A (NM_001386186.2, NM_001386148.2); c.4214-1834G>A (NM_001354269.3); c.4292-1834G>A (NM_001386187.2); and 36 more.
Identifiers: ClinVar variation 238566 (VCV000238566.54), dbSNP rs142908806, ClinGen allele CA3052064.